The following is an entry in ClinVar:

NM_181882.3(PRX):c.3050A>G (p.Lys1017Arg)

Gene: PRX (periaxin; minus strand). Cytogenetic location: 19q13.2.
Variant type: single nucleotide variant.
Coding change: c.3050A>G on transcript NM_181882.3 (MANE Select); coding-DNA position 3050, A replaced by G.
Protein change: p.Lys1017Arg; replaces lysine 1017 with arginine.
Molecular consequence: missense variant. On other transcripts: 3 prime UTR variant (1).
Genome position (GRCh38, 1-based): chr19:40,395,302, T>C on the plus strand (A>G on the coding strand, the complement: PRX is on the minus strand). VCF-style: chr19-40395302-T-C. GRCh37 (hg19) VCF-style: chr19-40901209-T-C.
Other names: c.*3255A>G (NM_020956.2); c.3050A>G (NM_181882.2); short protein forms K1017R.
Identifiers: ClinVar variation 1362986 (VCV001362986.8), dbSNP rs538922683, ClinGen allele CA9443929.

ClinVar aggregate classification (germline): Uncertain significance. Review status: criteria provided, multiple submitters, no conflicts (2 of 4 stars). 2 submissions from 2 submitters: Uncertain significance (2). Last evaluated 2024-10-29.

Conditions:
Charcot-Marie-Tooth disease type 4. Also called: Charcot-Marie-Tooth disease, type IV; Charcot-Marie-Tooth, Type 4. Identifiers: Orphanet 64749, MedGen C4082197, MONDO:0018995.
Inborn genetic diseases. Identifiers: MedGen C0950123, MeSH D030342.

Allele frequency attached by ClinVar (database versions not stated): gnomAD exomes below 0.00001 and 0.00001; gnomAD 0.00001; TOPMed 0.00001; ExAC 0.00002; 1000 Genomes Project 30x 0.00016; 1000 Genomes Project 0.00020.
gnomAD v4.1: 2 of 1,613,594 alleles (0.00012%); highest among the groups gnomAD compares: East Asian, 0.0045%; no homozygotes.

Submissions (2):

Ambry Genetics
Classification: Uncertain significance for Inborn genetic diseases. Last evaluated: 2024-10-29. Review status: criteria provided, single submitter. Criteria: Ambry Variant Classification Scheme 2023. Collection method: clinical testing. Allele origin: germline.

Labcorp Genetics (formerly Invitae), Labcorp
Classification: Uncertain significance for Charcot-Marie-Tooth disease type 4. Last evaluated: 2022-11-22. Review status: criteria provided, single submitter. Criteria: Invitae Variant Classification Sherloc (09022015). Collection method: clinical testing. Allele origin: germline.
Comment: In summary, the available evidence is currently insufficient to determine the role of this variant in disease. Therefore, it has been classified as a Variant of Uncertain Significance. Advanced modeling of protein sequence and biophysical properties (such as structural, functional, and spatial information, amino acid conservation, physicochemical variation, residue mobility, and thermodynamic stability) performed at Invitae indicates that this missense variant is not expected to disrupt PRX protein function. ClinVar contains an entry for this variant (Variation ID: 1362986). This variant has not been reported in the literature in individuals affected with PRX-related conditions. This variant is present in population databases (rs538922683, gnomAD 0.02%). This sequence change replaces lysine, which is basic and polar, with arginine, which is basic and polar, at codon 1017 of the PRX protein (p.Lys1017Arg).